The following is an entry in ClinVar:

ClinVar aggregate classification (germline): Conflicting classifications of pathogenicity. Review status: criteria provided, conflicting classifications (1 of 4 stars). 4 submissions from 4 submitters: Uncertain significance (3); Likely benign (1). Last evaluated 2026-01-21.

Conditions:
Hereditary cancer-predisposing syndrome. Also called: Tumor predisposition; Hereditary neoplastic syndrome; Neoplastic Syndromes, Hereditary; Hereditary Cancer Syndrome. Identifiers: Orphanet 140162, MedGen C0027672, MeSH D009386, MONDO:0015356.
Hereditary breast ovarian cancer syndrome. Also called: BRCA1- and BRCA2-Associated Hereditary Breast and Ovarian Cancer; Breast and ovarian cancer; Hereditary breast and ovarian cancer syndrome (HBOC); Hereditary breast and ovarian cancer; Hereditary breast and ovarian cancer syndrome; Hereditary breast and/or ovarian cancer syndrome. Identifiers: Orphanet 145, MedGen C0677776, MeSH D061325, MONDO:0003582. Disease mechanism: loss of function.

Submissions (4):

Labcorp Genetics (formerly Invitae), Labcorp
Classification: Uncertain significance for Hereditary breast ovarian cancer syndrome. Last evaluated: 2026-01-21. Review status: criteria provided, single submitter. Criteria: Invitae Variant Classification Sherloc (09022015). Collection method: clinical testing. Allele origin: germline.
Comment: This sequence change replaces leucine, which is neutral and non-polar, with valine, which is neutral and non-polar, at codon 2136 of the BRCA2 protein (p.Leu2136Val). This variant is not present in population databases (gnomAD no frequency). This variant has not been reported in the literature in individuals affected with BRCA2-related conditions. ClinVar contains an entry for this variant (Variation ID: 664372). Invitae Evidence Modeling of protein sequence and biophysical properties (such as structural, functional, and spatial information, amino acid conservation, physicochemical variation, residue mobility, and thermodynamic stability) indicates that this missense variant is not expected to disrupt BRCA2 protein function with a negative predictive value of 95%. In summary, the available evidence is currently insufficient to determine the role of this variant in disease. Therefore, it has been classified as a Variant of Uncertain Significance.

Women's Health and Genetics/Laboratory Corporation of America, LabCorp
Classification: Uncertain significance. Last evaluated: 2025-04-07. Review status: criteria provided, single submitter. Criteria: LabCorp Variant Classification Summary - May 2015. Collection method: clinical testing. Allele origin: germline.
Comment: Variant summary: BRCA2 c.6406T>G (p.Leu2136Val) results in a conservative amino acid change in the encoded protein sequence. Five of five in-silico tools predict a benign effect of the variant on protein function. The variant was absent in 240454 control chromosomes (gnomAD). The available data on variant occurrences in the general population are insufficient to allow any conclusion about variant significance. To our knowledge, no occurrence of c.6406T>G in individuals affected with Hereditary Breast And Ovarian Cancer Syndrome and no experimental evidence demonstrating its impact on protein function have been reported. ClinVar contains an entry for this variant (Variation ID: 664372). Based on the evidence outlined above, the variant was classified as uncertain significance.

University of Washington Department of Laboratory Medicine, University of Washington
Classification: Likely benign for Hereditary cancer-predisposing syndrome. Last evaluated: 2023-03-23. Review status: criteria provided, single submitter. Criteria: Dines et al. (Genet Med. 2020). Collection method: curation. Allele origin: germline.
Comment: Missense variant in a coldspot region where missense variants are very unlikely to be pathogenic (PMID:31911673).

BRCA2 exon 11 coldspot. Reclassification based on statistical prior probability.

Ambry Genetics
Classification: Uncertain significance for Hereditary cancer-predisposing syndrome. Last evaluated: 2021-05-21. Review status: criteria provided, single submitter. Criteria: Ambry Variant Classification Scheme 2023. Collection method: clinical testing. Allele origin: germline.
Comment: The p.L2136V variant (also known as c.6406T>G), located in coding exon 10 of the BRCA2 gene, results from a T to G substitution at nucleotide position 6406. The leucine at codon 2136 is replaced by valine, an amino acid with highly similar properties. This amino acid position is poorly conserved in available vertebrate species. In addition, this alteration is predicted to be tolerated by in silico analysis. Since supporting evidence is limited at this time, the clinical significance of this alteration remains unclear.

NM_000059.4(BRCA2):c.6406T>G (p.Leu2136Val)

Gene: BRCA2 (BRCA2 DNA repair associated; plus strand). Cytogenetic location: 13q13.1.
Variant type: single nucleotide variant.
Coding change: c.6406T>G on transcript NM_000059.4 (MANE Select); coding-DNA position 6406, T replaced by G.
Protein change: p.Leu2136Val; replaces leucine 2136 with valine.
Molecular consequence: missense variant.
Genome position (GRCh38, 1-based): chr13:32,340,761, T>G. VCF-style: chr13-32340761-T-G. GRCh37 (hg19) VCF-style: chr13-32914898-T-G.
Other names: short protein forms L2136V.
Identifiers: ClinVar variation 664372 (VCV000664372.14), dbSNP rs1231977477, ClinGen allele CA387789249.
Genomic context (GRCh38, chr13:32,340,761, plus strand): 5'-CACTGTGTAAACTCAGAAATGGAAAAAACCTGCAGTAAAGAATTTAAATTATCAAATAAC[T>G]TAAATGTTGAAGGTGGTTCTTCAGAAAATAATCACTCTATTAAAGTTTCTCCATATCTCT-3'
Protein context (NP_000050.3, residues 2126-2146): CSKEFKLSNN[Leu2136Val]NVEGGSSENN